The following is an entry in ClinVar:

NM_007294.4(BRCA1):c.4932A>C (p.Glu1644Asp)

Gene: BRCA1 (BRCA1 DNA repair associated; minus strand). Cytogenetic location: 17q21.31.
Variant type: single nucleotide variant.
Coding change: c.4932A>C on transcript NM_007294.4 (MANE Select); coding-DNA position 4932, A replaced by C.
Protein change: p.Glu1644Asp; replaces glutamic acid 1644 with aspartic acid.
Molecular consequence: missense variant. On other transcripts: non-coding transcript variant (1).
Genome position (GRCh38, 1-based): chr17:43,070,982, T>G on the plus strand (A>C on the coding strand, the complement: BRCA1 is on the minus strand). VCF-style: chr17-43070982-T-G. GRCh37 (hg19) VCF-style: chr17-41222999-T-G.
Other names: c.4719A>C, p.Glu1573Asp (NM_001407571.1, NM_001407895.1, NM_001407896.1 and 12 more transcripts); c.4998A>C, p.Glu1666Asp (NM_001407581.1, NM_001407582.1); c.4995A>C, p.Glu1665Asp (NM_001407583.1, NM_001407585.1, NM_001407587.1 and 1 more transcripts); c.4992A>C, p.Glu1664Asp (NM_001407590.1, NM_001407591.1); c.4932A>C, p.Glu1644Asp (NM_001407593.1, NM_001407594.1, NM_001407596.1 and 8 more transcripts); c.4929A>C, p.Glu1643Asp (NM_001407610.1, NM_001407611.1, NM_001407612.1 and 17 more transcripts); c.4926A>C, p.Glu1642Asp (NM_001407627.1, NM_001407628.1, NM_001407629.1 and 14 more transcripts); c.4923A>C, p.Glu1641Asp (NM_001407644.1, NM_001407645.1); and 70 more; short protein forms E1644D, E540D, E1597D, E1665D, E1515D, E1555D, E1573D, E1595D.
Identifiers: ClinVar variation 865700 (VCV000865700.3), dbSNP rs2052374025, ClinGen allele CA10591659.
Genomic context (GRCh38, chr17:43,070,982, plus strand): 5'-ACTCACAAATTCTTCTGGGGTCAGGCCAGACACCACCATGGACATTCTTTTGTTGACCCT[T>G]TCTGTTGAAGCTGTCAATTCTGGCTTCTCCCTGCTCACACTTTCTTCCATTGCATTATAC-3'
Protein context (NP_009225.1, residues 1634-1654): REKPELTAST[Glu1644Asp]RVNKRMSMVV

Conditions:
Breast-ovarian cancer, familial, susceptibility to, 1 (BROVCA1). Also called: BRCA1 Hereditary Breast and Ovarian Cancer; OVARIAN CANCER, SUSCEPTIBILITY TO. Identifiers: Orphanet 145, MedGen C2676676, MONDO:0011450, OMIM 604370. Disease mechanism: loss of function.

Submission:

Brotman Baty Institute, University of Washington
No classification provided (evidence only). Condition: Breast-ovarian cancer, familial 1. Review status: no classification provided. Collection method: in vitro. Allele origin: not applicable. Functional consequence: functionally_normal.
ClinVar note: "not provided" was previously submitted as the classification for the variant. However, the classification appeared to be based only on an observation of functional data so it was converted to no classification on 2025-07-30.